The following is an entry in ClinVar:

ClinVar aggregate classification (germline): Pathogenic/Likely pathogenic. Review status: criteria provided, multiple submitters, no conflicts (2 of 4 stars). 13 submissions from 13 submitters: Pathogenic (10); Likely pathogenic (2). 1 of the submissions does not count toward it. Last evaluated 2025-12-29.

Conditions:
CLCNKB-related disorders.
Bartter syndrome. Identifiers: Orphanet 112, MedGen C0004775, MONDO:0015231.
Bartter disease type 4B. Also called: Bartter syndrome, type 4b, digenic; BARTTER SYNDROME, TYPE 4B, NEONATAL, WITH SENSORINEURAL DEAFNESS; BARTTER SYNDROME, TYPE 4B. Identifiers: Orphanet 112, MedGen C4310805, MONDO:0000909, OMIM 613090.
Bartter disease type 3. Also called: Bartter syndrome type 3. Identifiers: Orphanet 112, Orphanet 93605, MedGen C1846343, MONDO:0011822, OMIM 607364.

Allele frequency attached by ClinVar (database versions not stated): gnomAD 0.00006 and 0.00007; ExAC 0.00008; 1000 Genomes Project 0.00040; gnomAD exomes 0.00008 and 0.00004; 1000 Genomes Project 30x 0.00062; TOPMed 0.00012.

Submissions (13):

Labcorp Genetics (formerly Invitae), Labcorp
Classification: Pathogenic. Last evaluated: 2025-12-29. Review status: criteria provided, single submitter. Criteria: Invitae Variant Classification Sherloc (09022015). Collection method: clinical testing. Allele origin: germline.
Comment: This sequence change replaces alanine, which is neutral and non-polar, with threonine, which is neutral and polar, at codon 204 of the CLCNKB protein (p.Ala204Thr). This variant is present in population databases (rs121909132, gnomAD 0.04%). This missense change has been observed in individual(s) with Bartter syndrome and Gitelman syndrome (PMID: 9326936, 15875219, 24830959). In at least one individual the data is consistent with being in trans (on the opposite chromosome) from a pathogenic variant. It is commonly reported in individuals of Spanish ancestry (PMID: 15875219). ClinVar contains an entry for this variant (Variation ID: 7592). Invitae Evidence Modeling of protein sequence and biophysical properties (such as structural, functional, and spatial information, amino acid conservation, physicochemical variation, residue mobility, and thermodynamic stability) has been performed for this missense variant. However, the output from this modeling did not meet the statistical confidence thresholds required to predict the impact of this variant on CLCNKB protein function. Experimental studies have shown that this missense change affects CLCNKB function (PMID: 31803959). For these reasons, this variant has been classified as Pathogenic.

Women's Health and Genetics/Laboratory Corporation of America, LabCorp
Classification: Pathogenic for Bartter syndrome. Last evaluated: 2025-09-30. Review status: criteria provided, single submitter. Criteria: LabCorp Variant Classification Summary - May 2015. Collection method: clinical testing. Allele origin: germline.
Comment: Variant summary: CLCNKB c.610G>A (p.Ala204Thr) results in a non-conservative amino acid change in the encoded protein sequence. Algorithms developed to predict the effect of missense changes on protein structure and function all suggest that this variant is likely to be disruptive. The variant allele was found at a frequency of 7.6e-05 in 249318 control chromosomes. This frequency is not significantly higher than estimated for disease-causing variants in CLCNKB, allowing no conclusion about variant significance. c.610G>A has been observed as homozygous and compound heterozygous in multiple individuals affected with Bartter Syndrome (Peces_2021). These data indicate that the variant is very likely to be associated with disease. The following publication has been ascertained in the context of this evaluation (PMID: 34345425). ClinVar contains an entry for this variant (Variation ID: 7592). Based on the evidence outlined above, the variant was classified as pathogenic.

Variantyx, Inc.
Classification: Likely pathogenic for Bartter disease type 3. Last evaluated: 2025-08-12. Review status: criteria provided, single submitter. Criteria: Variantyx Assertion Criteria 2022. Collection method: clinical testing. Allele origin: germline. Inheritance: Autosomal recessive inheritance.
Comment: This is a nonsynonymous variant in the CLCNKB gene (OMIM: 602023). Pathogenic variants in this gene have been associated with autosomal recessive Bartter syndrome type 3. This variant has been reported in the homozygous state in many unrelated affected individuals (PMID:15875219, 16391491, 20931281, 28288174, 34345425) (PM3). Functional studies have shown that this variant alters CLCNKB protein function (PMID: 31803959) (PS3) and multiple computational algorithms predict a deleterious effect for this variant (REVEL score: 0.724) (PP3). This variant has a 0.0517% maximum allele frequency in non-founder control populations (PM2). Based on the current evidence, this variant is classified as likely pathogenic for autosomal recessive Bartter syndrome type 3.

Mayo Clinic Laboratories, Mayo Clinic
Classification: Pathogenic. Last evaluated: 2025-01-03. Review status: criteria provided, single submitter. Criteria: ACMG Guidelines, 2015. Collection method: clinical testing. Allele origin: germline. Observed: 2 variant alleles.
Comment: PP1_strong, PP3, PM3_very_strong, PS3_moderate, PS4

3billion
Classification: Pathogenic for Bartter disease type 3. Last evaluated: 2024-09-16. Review status: criteria provided, single submitter. Criteria: ACMG Guidelines, 2015. Collection method: clinical testing. Allele origin: germline. Affected: yes.
Comment: The variant is observed at an extremely low frequency in the gnomAD v4.0.0 dataset (total allele frequency: 0.004%). Predicted Consequence/Location: Missense variant Functional studies provide strong evidence of the variant having a damaging effect on the gene or gene product (PMID: 31803959). In silico tool predictions suggest damaging effect of the variant on gene or gene product [REVEL: 0.72 (>=0.6, sensitivity 0.68 and specificity 0.92)]. The same nucleotide change resulting in the same amino acid change has been previously reported as pathogenic/likely pathogenic with strong evidence (ClinVar ID: VCV000007592 /PMID: 9326936). The variant has been reported to be in trans with a pathogenic variant as either compound heterozygous or homozygous in at least 2 similarly affected unrelated individuals (PMID: 15875219, 24830959, 9326936). Therefore, this variant is classified as Pathogenic according to the recommendation of ACMG/AMP guideline.

Blueprint Genetics
Classification: Pathogenic for CLCNKB-related disorders. Last evaluated: 2024-05-21. Review status: criteria provided, single submitter. Criteria: ACMG Guidelines, 2015. Collection method: clinical testing. Allele origin: germline. Affected: yes. Observed: 4 variant alleles.

Fulgent Genetics
Classification: Pathogenic for Bartter disease type 3; Bartter disease type 4B. Last evaluated: 2024-05-15. Review status: criteria provided, single submitter. Criteria: ACMG Guidelines, 2015. Collection method: clinical testing. Allele origin: germline.

GeneDx
Classification: Pathogenic. Last evaluated: 2021-10-08. Review status: criteria provided, single submitter. Criteria: GeneDx Variant Classification Process June 2021. Collection method: clinical testing. Allele origin: germline. Affected: yes.
Comment: Reported as a founder mutation in individuals of Spanish ancestry, with variable phenotypic presentation (Garca Castao et al., 2017); Published functional studies suggest a damaging effect due to altered gating properties resulting from decreased sensitivity to extracellular pH and Ca2+ (Bignon et al., 2020); In silico analysis supports that this missense variant has a deleterious effect on protein structure/function; This variant is associated with the following publications: (PMID: 20931281, 9326936, 31803959, 16391491, 24830959, 28288174, 24058621, 31589614, 33532864, 28381550, 15875219, 31672324)

Greenwood Genetic Center Diagnostic Laboratories, Greenwood Genetic Center
Classification: Pathogenic. Last evaluated: 2020-08-19. Review status: criteria provided, single submitter. Criteria: ACMG Guidelines, 2015. Collection method: clinical testing. Allele origin: germline. Affected: yes.

Molecular Biology Laboratory, Fundació Puigvert
Classification: Likely pathogenic for Bartter disease type 3. Last evaluated: 2020-02-01. Review status: criteria provided, single submitter. Criteria: ACMG Guidelines, 2015. Collection method: research. Allele origin: germline. Affected: yes. Study: KidneyPanel_2020.

Mendelics
Classification: Pathogenic for Bartter disease type 3. Last evaluated: 2019-05-28. Review status: criteria provided, single submitter. Criteria: Mendelics Assertion Criteria 2017. Collection method: clinical testing. Allele origin: unknown.

Clinical Genetics Service, Universitary Hospital 12 de Octubre
Classification: Pathogenic for Bartter disease type 3. Review status: criteria provided, single submitter. Criteria: ACMG Guidelines, 2015. Collection method: clinical testing. Allele origin: germline. Affected: yes.

OMIM
Classification: Pathogenic for BARTTER SYNDROME, TYPE 3. Last evaluated: 1997-10-01. Review status: no assertion criteria provided. Collection method: literature only. Allele origin: germline. Not counted in ClinVar's aggregate classification.

Literature cited by the submitters: PubMed 9326936 (cited by 4 submitters); PubMed 15875219 (cited by 4 submitters); PubMed 24830959 (cited by 3 submitters); PubMed 31803959 (cited by 3 submitters); PubMed 34345425 (cited by 3 submitters); PubMed 16391491 (cited by Variantyx, Inc. and Mayo Clinic Laboratories, Mayo Clinic); PubMed 20931281 (cited by Variantyx, Inc. and Mayo Clinic Laboratories, Mayo Clinic); PubMed 28288174 (cited by Variantyx, Inc. and Mayo Clinic Laboratories, Mayo Clinic); PubMed 24058621 (cited by Mayo Clinic Laboratories, Mayo Clinic); PubMed 28381550 (cited by Mayo Clinic Laboratories, Mayo Clinic); PubMed 31672324 (cited by Mayo Clinic Laboratories, Mayo Clinic); PubMed 33532864 (cited by Mayo Clinic Laboratories, Mayo Clinic and Molecular Biology Laboratory, Fundació Puigvert).

NM_000085.5(CLCNKB):c.610G>A (p.Ala204Thr)

Genes: CLCNKB (chloride voltage-gated channel Kb; plus strand), LOC106501713 (CLCNKB recombination region; plus strand). Cytogenetic location: 1p36.13.
Variant type: single nucleotide variant.
Coding change: c.610G>A on transcript NM_000085.5 (MANE Select); coding-DNA position 610, G replaced by A.
Protein change: p.Ala204Thr; replaces alanine 204 with threonine.
Molecular consequence: missense variant.
Genome position (GRCh38, 1-based): chr1:16,048,537, G>A. VCF-style: chr1-16048537-G-A. GRCh37 (hg19) VCF-style: chr1-16375032-G-A.
Other names: short protein forms A204T.
Identifiers: ClinVar variation 7592 (VCV000007592.24), dbSNP rs121909132, ClinGen allele CA118913.